The following is an entry in ClinVar:

NM_000540.3(RYR1):c.14814C>G (p.Ile4938Met)

Gene: RYR1 (ryanodine receptor 1; plus strand). Cytogenetic location: 19q13.2.
Variant type: single nucleotide variant.
Coding change: c.14814C>G on transcript NM_000540.3 (MANE Select); coding-DNA position 14814, C replaced by G.
Protein change: p.Ile4938Met; replaces isoleucine 4938 with methionine.
Molecular consequence: missense variant.
Genome position (GRCh38, 1-based): chr19:38,585,948, C>G. VCF-style: chr19-38585948-C-G. GRCh37 (hg19) VCF-style: chr19-39076588-C-G.
Other names: NM_000540.2(RYR1):c.14814C>G; c.14799C>G, p.Ile4933Met (NM_001042723.2); short protein forms I4938M, I4933M.
Identifiers: ClinVar variation 65955 (VCV000065955.11), dbSNP rs118192159, ClinGen allele CA024260.

ClinVar aggregate classification (germline): Uncertain significance. Review status: reviewed by expert panel (3 of 4 stars). 6 submissions from 6 submitters: Uncertain significance (1). 5 of the submissions do not count toward it. Last evaluated 2025-08-01.

Conditions:
RYR1-related disorder. Also called: RYR1-related disorders; RYR1-related condition. Identifiers: MedGen CN239331.
Malignant hyperthermia of anesthesia. Also called: Anesthesic-triggered malignant hyperthermia. Identifiers: Orphanet 423, MedGen C0024591, MONDO:0018493, HP:0034733.
Central core myopathy (CMYO1A). Also called: CONGENITAL MYOPATHY 1A, AUTOSOMAL DOMINANT, WITH SUSCEPTIBILITY TO MALIGNANT HYPERTHERMIA; Central core disease; Myopathy, central fibrillar. Identifiers: Orphanet 597, MedGen C5830701, MONDO:0007294, OMIM 117000.

Submissions (6):

ClinGen Malignant Hyperthermia Susceptibility Variant Curation Expert Panel, ClinGen
Classification: Uncertain significance for Malignant hyperthermia of anesthesia. Last evaluated: 2025-08-01. Review status: reviewed by expert panel. Criteria: ClinGen MHS ACMG Specifications V2. Collection method: curation. Allele origin: germline. Inheritance: Autosomal dominant inheritance.
Comment: This pathogenicity assessment is relevant only for malignant hyperthermia susceptibility (MHS) inherited in an autosomal dominant pattern. Variants in RYR1 can also cause other myopathies inherited in an autosomal dominant pattern or in an autosomal recessive pattern. Some of these disorders may predispose individuals to malignant hyperthermia. RYR1 variants may also contribute to a malignant hyperthermia reaction in combination with other genetic and non-genetic factors and the clinician needs to consider such factors in making management decisions. This sequence variant predicts a substitution of isoleucine with methionine at codon 4938 of the RYR1 protein, p.(Ile4938Met). This variant was not present in a large population database (gnomAD) at the time this variant was interpreted. To our knowledge this variant has not been reported in the literature in individuals who have a personal or family history of a malignant hyperthermia reaction, it has been reported associated with CCD (PMID:14985404, PMID:30236257). No functional studies were identified for this variant. This variant resides in a region of RYR1 considered to be a hotspot for pathogenic variants that contribute to MHS, PM1_Supporting (PMID: 21118704). A REVEL score >0.85 (0.855) supports a pathogenic status for this variant, PP3_Moderate. This variant has been classified as a Variant of Unknown Significance. Criteria implemented: PM1_Supporting, PP3_Moderate.

Labcorp Genetics (formerly Invitae), Labcorp
Classification: Uncertain significance for RYR1-related disorder. Last evaluated: 2025-05-19. Review status: criteria provided, single submitter. Criteria: Invitae Variant Classification Sherloc (09022015). Collection method: clinical testing. Allele origin: germline. Not counted in ClinVar's aggregate classification.
Comment: This sequence change replaces isoleucine, which is neutral and non-polar, with methionine, which is neutral and non-polar, at codon 4938 of the RYR1 protein (p.Ile4938Met). This variant is not present in population databases (gnomAD no frequency). This missense change has been observed in individuals with central core disease (PMID: 14985404; internal data). ClinVar contains an entry for this variant (Variation ID: 65955). Invitae Evidence Modeling of protein sequence and biophysical properties (such as structural, functional, and spatial information, amino acid conservation, physicochemical variation, residue mobility, and thermodynamic stability) indicates that this missense variant is expected to disrupt RYR1 protein function with a positive predictive value of 80%. This variant disrupts the p.Ile4938 amino acid residue in RYR1. Other variant(s) that disrupt this residue have been observed in individuals with RYR1-related conditions (PMID: 19191329), which suggests that this may be a clinically significant amino acid residue. In summary, the available evidence is currently insufficient to determine the role of this variant in disease. Therefore, it has been classified as a Variant of Uncertain Significance.

Blueprint Genetics
Classification: Likely pathogenic for RYR1-related disorders. Last evaluated: 2024-03-04. Review status: criteria provided, single submitter. Criteria: ACMG Guidelines, 2015. Collection method: clinical testing. Allele origin: germline. Affected: yes. Observed: 2 variant alleles. Not counted in ClinVar's aggregate classification.

PreventionGenetics, part of Exact Sciences
Classification: Uncertain significance. Last evaluated: 2015-08-28. Review status: criteria provided, single submitter. Criteria: ACMG Guidelines, 2015. Collection method: clinical testing. Allele origin: germline. Not counted in ClinVar's aggregate classification.

GeneReviews
Classification: Pathogenic for Central Core Disease. Last evaluated: 2010-05-11. Review status: no assertion criteria provided. Collection method: curation. Allele origin: unknown. Not counted in ClinVar's aggregate classification.
ClinVar note: Converted during submission from pathologic to Pathogenic.

RYR1 database
No classification provided. Review status: no classification provided. Collection method: not provided. Allele origin: unknown. Not counted in ClinVar's aggregate classification.

Literature cited by the submitters: PubMed 14985404 (cited by Labcorp Genetics (formerly Invitae), Labcorp); PubMed 19191329 (cited by Labcorp Genetics (formerly Invitae), Labcorp).